The following is an entry in ClinVar:

ClinVar aggregate classification (germline): Benign (1 of 4 stars; one submission).

Allele frequency attached by ClinVar (database versions not stated): 1000 Genomes Project 30x 0.06558; TOPMed 0.06629; gnomAD 0.06991 and 0.07103; 1000 Genomes Project 0.07009.
gnomAD v4.1: 10,874 of 152,238 alleles (7.1%); highest among the groups gnomAD compares: East Asian, 10%; 505 homozygotes.

Submissions (16):

GeneDx
Classification: Benign. Last evaluated: 2018-06-16. Review status: criteria provided, single submitter. Criteria: GeneDx Variant Classification (06012015). Collection method: clinical testing. Allele origin: germline. Affected: yes.
Comment: This variant is considered likely benign or benign based on one or more of the following criteria: it is a conservative change, it occurs at a poorly conserved position in the protein, it is predicted to be benign by multiple in silico algorithms, and/or has population frequency not consistent with disease.

Dr. Peter K. Rogan Lab, Western University
No classification provided (evidence only). Condition: Lung cancer. Review status: no classification provided. Collection method: in vitro. Allele origin: not applicable. Functional consequence: retained intron. Not counted in ClinVar's aggregate classification.

Dr. Peter K. Rogan Lab, Western University
No classification provided (evidence only). Condition: Lung cancer. Review status: no classification provided. Collection method: in vitro. Allele origin: not applicable. Functional consequence: retained intron. Not counted in ClinVar's aggregate classification.

Dr. Peter K. Rogan Lab, Western University
No classification provided (evidence only). Condition: Lung cancer. Review status: no classification provided. Collection method: in vitro. Allele origin: not applicable. Functional consequence: retained intron. Not counted in ClinVar's aggregate classification.

Dr. Peter K. Rogan Lab, Western University
No classification provided (evidence only). Condition: Acute myeloid leukemia. Review status: no classification provided. Collection method: in vitro. Allele origin: not applicable. Functional consequence: retained intron. Not counted in ClinVar's aggregate classification.

Dr. Peter K. Rogan Lab, Western University
No classification provided (evidence only). Condition: Acute myeloid leukemia. Review status: no classification provided. Collection method: in vitro. Allele origin: not applicable. Functional consequence: retained intron. Not counted in ClinVar's aggregate classification.

Dr. Peter K. Rogan Lab, Western University
No classification provided (evidence only). Condition: Uterine corpus endometrial carcinoma. Review status: no classification provided. Collection method: in vitro. Allele origin: not applicable. Functional consequence: retained intron. Not counted in ClinVar's aggregate classification.

Dr. Peter K. Rogan Lab, Western University
No classification provided (evidence only). Condition: Uterine corpus endometrial carcinoma. Review status: no classification provided. Collection method: in vitro. Allele origin: not applicable. Functional consequence: retained intron. Not counted in ClinVar's aggregate classification.

Dr. Peter K. Rogan Lab, Western University
No classification provided (evidence only). Condition: Malignant lymphoma, large B-cell, diffuse. Review status: no classification provided. Collection method: in vitro. Allele origin: not applicable. Functional consequence: retained intron. Not counted in ClinVar's aggregate classification.

Dr. Peter K. Rogan Lab, Western University
No classification provided (evidence only). Condition: Cholangiocarcinoma. Review status: no classification provided. Collection method: in vitro. Allele origin: not applicable. Functional consequence: retained intron. Not counted in ClinVar's aggregate classification.

Dr. Peter K. Rogan Lab, Western University
No classification provided (evidence only). Condition: Cholangiocarcinoma. Review status: no classification provided. Collection method: in vitro. Allele origin: not applicable. Functional consequence: retained intron. Not counted in ClinVar's aggregate classification.

Dr. Peter K. Rogan Lab, Western University
No classification provided (evidence only). Condition: Gastric cancer. Review status: no classification provided. Collection method: in vitro. Allele origin: not applicable. Functional consequence: retained intron. Not counted in ClinVar's aggregate classification.

Dr. Peter K. Rogan Lab, Western University
No classification provided (evidence only). Condition: Gastric cancer. Review status: no classification provided. Collection method: in vitro. Allele origin: not applicable. Functional consequence: retained intron. Not counted in ClinVar's aggregate classification.

Dr. Peter K. Rogan Lab, Western University
No classification provided (evidence only). Condition: Gastric cancer. Review status: no classification provided. Collection method: in vitro. Allele origin: not applicable. Functional consequence: retained intron. Not counted in ClinVar's aggregate classification.

Dr. Peter K. Rogan Lab, Western University
No classification provided (evidence only). Condition: Gastric cancer. Review status: no classification provided. Collection method: in vitro. Allele origin: not applicable. Functional consequence: retained intron. Not counted in ClinVar's aggregate classification.

Dr. Peter K. Rogan Lab, Western University
No classification provided (evidence only). Condition: Uterine carcinosarcoma. Review status: no classification provided. Collection method: in vitro. Allele origin: not applicable. Functional consequence: retained intron. Not counted in ClinVar's aggregate classification.

NM_173630.4(RTTN):c.3528+193A>G

Gene: RTTN (rotatin; minus strand). Cytogenetic location: 18q22.2.
Variant type: single nucleotide variant.
Coding change: c.3528+193A>G on transcript NM_173630.4 (MANE Select); 193 bases into the intron after coding-DNA position 3528, A replaced by G.
Molecular consequence: intron variant.
Genome position (GRCh38, 1-based): chr18:70,121,363, T>C on the plus strand (A>G on the coding strand, the complement: RTTN is on the minus strand). VCF-style: chr18-70121363-T-C. GRCh37 (hg19) VCF-style: chr18-67788599-T-C.
Other names: NC_000018.9:g.67788599T>C; c.792+193A>G (NM_001318520.2).
Identifiers: ClinVar variation 670493 (VCV000670493.2), dbSNP rs17807127, ClinGen allele CA14552492.